The following is an entry in ClinVar:

NM_015375.3(DSTYK):c.752C>G (p.Ala251Gly)

Gene: DSTYK (dual serine/threonine and tyrosine protein kinase; minus strand). Cytogenetic location: 1q32.1.
Variant type: single nucleotide variant.
Coding change: c.752C>G on transcript NM_015375.3 (MANE Select); coding-DNA position 752, C replaced by G.
Protein change: p.Ala251Gly; replaces alanine 251 with glycine.
Molecular consequence: missense variant.
Genome position (GRCh38, 1-based): chr1:205,169,735, G>C on the plus strand (C>G on the coding strand, the complement: DSTYK is on the minus strand). VCF-style: chr1-205169735-G-C. GRCh37 (hg19) VCF-style: chr1-205138863-G-C.
Other names: c.752C>G, p.Ala251Gly (NM_199462.3); short protein forms A251G.
Identifiers: ClinVar variation 3901608 (VCV003901608.1).

ClinVar aggregate classification (germline): Uncertain significance (1 of 4 stars; one submission).

gnomAD v4.1: 3 of 1,614,206 alleles (0.00019%); highest among the groups gnomAD compares: Non-Finnish European, 0.00025%; no homozygotes.

Submission:

GeneDx
Classification: Uncertain significance. Last evaluated: 2024-11-27. Review status: criteria provided, single submitter. Criteria: GeneDx Variant Classification Process June 2021. Collection method: clinical testing. Allele origin: germline. Affected: yes.
Comment: In silico analysis supports that this missense variant has a deleterious effect on protein structure/function; Has not been previously published as pathogenic or benign to our knowledge